The following is an entry in ClinVar:

NM_000516.7(GNAS):c.9C>T (p.Cys3=)

Gene: GNAS (GNAS complex locus; plus strand). Cytogenetic location: 20q13.32.
Variant type: single nucleotide variant.
Coding change: c.9C>T on transcript NM_000516.7 (MANE Select); coding-DNA position 9, C replaced by T.
Protein change: p.Cys3=; no amino-acid change (cysteine 3 retained).
Molecular consequence: synonymous variant. On other transcripts: intron variant (6).
Genome position (GRCh38, 1-based): chr20:58,891,735, C>T. VCF-style: chr20-58891735-C-T. GRCh37 (hg19) VCF-style: chr20-57466790-C-T.
Other names: c.9C>T, p.Cys3= (NM_001077488.5, NM_001077489.4, NM_001309842.2 and 1 more transcripts); c.*43-3877C>T (NM_016592.5); c.-38-3877C>T (NM_001309861.2); c.*1-3877C>T (NM_001077490.3); c.2069-3877C>T (NM_080425.4); c.*159-3877C>T (NM_001309883.1); c.-39+2382C>T (NM_001309840.2).
Identifiers: ClinVar variation 779991 (VCV000779991.41), dbSNP rs200810763, ClinGen allele CA9926866.

ClinVar aggregate classification (germline): Benign/Likely benign. Review status: criteria provided, multiple submitters, no conflicts (2 of 4 stars). 5 submissions from 5 submitters: Benign (1); Likely benign (2). 2 of the submissions do not count toward it. Last evaluated 2026-08-01.

Allele frequency attached by ClinVar (database versions not stated): gnomAD 0.00061 and 0.00070; gnomAD exomes 0.00066; TOPMed 0.00074; ExAC 0.00112; 1000 Genomes Project 0.00180; 1000 Genomes Project 30x 0.00187.
gnomAD v4.1: 835 of 1,182,296 alleles (0.071%); highest among the groups gnomAD compares: East Asian, 0.86%; 3 homozygotes.

Submissions (5):

CeGaT Center for Human Genetics Tuebingen
Classification: Likely benign. Last evaluated: 2026-08-01. Review status: criteria provided, single submitter. Criteria: CeGaT Center For Human Genetics Tuebingen Variant Classification Criteria Version 2. Collection method: clinical testing. Allele origin: germline. Affected: yes. Observed: 6 variant alleles.
Comment: GNAS: BP4, BP7, BS1

Labcorp Genetics (formerly Invitae), Labcorp
Classification: Benign. Last evaluated: 2026-02-01. Review status: criteria provided, single submitter. Criteria: Invitae Variant Classification Sherloc (09022015). Collection method: clinical testing. Allele origin: germline.

Blueprint Genetics
Classification: Likely benign. Last evaluated: 2024-11-06. Review status: criteria provided, single submitter. Criteria: ACMG Guidelines, 2015. Collection method: clinical testing. Allele origin: germline.

Clinical Genetics DNA and cytogenetics Diagnostics Lab, Erasmus MC, Erasmus Medical Center
Classification: Likely benign. Review status: no assertion criteria provided. Collection method: clinical testing. Allele origin: germline. Affected: yes. Study: VKGL Data-share Consensus. Not counted in ClinVar's aggregate classification.

Clinical Genetics, Academic Medical Center
Classification: Benign. Review status: no assertion criteria provided. Collection method: clinical testing. Allele origin: germline. Affected: yes. Study: VKGL Data-share Consensus. Not counted in ClinVar's aggregate classification.